The following is an entry in ClinVar:

NM_002485.5(NBN):c.1410A>G (p.Glu470=)

Gene: NBN (nibrin; minus strand). Cytogenetic location: 8q21.3.
Variant type: single nucleotide variant.
Coding change: c.1410A>G on transcript NM_002485.5 (MANE Select); coding-DNA position 1410, A replaced by G.
Protein change: p.Glu470=; no amino-acid change (glutamic acid 470 retained).
Molecular consequence: synonymous variant.
Genome position (GRCh38, 1-based): chr8:89,953,679, T>C on the plus strand (A>G on the coding strand, the complement: NBN is on the minus strand). VCF-style: chr8-89953679-T-C. GRCh37 (hg19) VCF-style: chr8-90965907-T-C.
Other names: c.1164A>G, p.Glu388= (NM_001024688.3).
Identifiers: ClinVar variation 481874 (VCV000481874.13), dbSNP rs1554558592, ClinGen allele CA462114864.
Genomic context (GRCh38, chr8:89,953,679, plus strand): 5'-TAAAAGAGAACAAGACGTTTCTATTCTTGCTGATTTGCATGAAGACATTTCTTGATTTTC[T>C]TCATCCCTTTCCCTTAGATTTAAAAAAAAAGAAGAAAACAAAACAAGAAAATGAACACAG-3'
Protein context (NP_002476.2, residues 460-480): QPSTKKRERD[Glu470=]ENQEMSSCKS

ClinVar aggregate classification (germline): Conflicting classifications of pathogenicity. Review status: criteria provided, conflicting classifications (1 of 4 stars). 4 submissions from 4 submitters: Uncertain significance (3); Likely benign (1). Last evaluated 2023-10-28.

Conditions:
Hereditary cancer-predisposing syndrome. Also called: Hereditary neoplastic syndrome; Neoplastic Syndromes, Hereditary; Tumor predisposition; Hereditary Cancer Syndrome. Identifiers: Orphanet 140162, MedGen C0027672, MeSH D009386, MONDO:0015356.
Microcephaly, normal intelligence and immunodeficiency (NBS). Also called: IMMUNODEFICIENCY, MICROCEPHALY, AND CHROMOSOMAL INSTABILITY; SEEMANOVA SYNDROME II; Nijmegen breakage syndrome; Microcephaly with normal intelligence immunodeficiency and lymphoreticular malignancies; Nonsyndromal microcephaly autosomal recessive with normal intelligence; Seemanova syndrome 2. Identifiers: Orphanet 647, MedGen C0398791, MONDO:0009623, OMIM 251260.

Submissions (4):

Labcorp Genetics (formerly Invitae), Labcorp
Classification: Uncertain significance for Microcephaly, normal intelligence and immunodeficiency. Last evaluated: 2023-10-28. Review status: criteria provided, single submitter. Criteria: Invitae Variant Classification Sherloc (09022015). Collection method: clinical testing. Allele origin: germline.
Comment: This sequence change affects codon 470 of the NBN mRNA. It is a 'silent' change, meaning that it does not change the encoded amino acid sequence of the NBN protein. This variant is not present in population databases (gnomAD no frequency). This variant has not been reported in the literature in individuals affected with NBN-related conditions. ClinVar contains an entry for this variant (Variation ID: 481874). Algorithms developed to predict the effect of sequence changes on RNA splicing suggest that this variant may disrupt the consensus splice site. In summary, the available evidence is currently insufficient to determine the role of this variant in disease. Therefore, it has been classified as a Variant of Uncertain Significance.

Genome-Nilou Lab
Classification: Uncertain significance for Microcephaly, normal intelligence and immunodeficiency. Last evaluated: 2021-11-07. Review status: criteria provided, single submitter. Criteria: ACMG Guidelines, 2015. Collection method: clinical testing. Allele origin: germline. Affected: no.

GeneDx
Classification: Uncertain significance. Last evaluated: 2020-10-23. Review status: criteria provided, single submitter. Criteria: GeneDx Variant Classification Process June 2021. Collection method: clinical testing. Allele origin: germline. Affected: yes.
Comment: Not observed in large population cohorts (Lek et al., 2016); In silico analysis supports that this variant does not alter splicing; Has not been previously published as pathogenic or benign to our knowledge

Ambry Genetics
Classification: Likely benign for Hereditary cancer-predisposing syndrome. Last evaluated: 2017-07-28. Review status: criteria provided, single submitter. Criteria: Ambry Variant Classification Scheme 2023. Collection method: clinical testing. Allele origin: germline.